The following is an entry in ClinVar:

NM_000094.4(COL7A1):c.2983C>T (p.Pro995Ser)

Gene: COL7A1 (collagen type VII alpha 1 chain; minus strand). Cytogenetic location: 3p21.31.
Variant type: single nucleotide variant.
Coding change: c.2983C>T on transcript NM_000094.4 (MANE Select); coding-DNA position 2983, C replaced by T.
Protein change: p.Pro995Ser; replaces proline 995 with serine.
Molecular consequence: missense variant.
Genome position (GRCh38, 1-based): chr3:48,587,429, G>A on the plus strand (C>T on the coding strand, the complement: COL7A1 is on the minus strand). VCF-style: chr3-48587429-G-A. GRCh37 (hg19) VCF-style: chr3-48624862-G-A.
Other names: short protein forms P995S.
Identifiers: ClinVar variation 1977838 (VCV001977838.4), dbSNP rs2531232180, ClinGen allele CA352713780.
Genomic context (GRCh38, chr3:48,587,429, plus strand): 5'-CTCCACAGAGCCCCAACTGCCAGCCCACCCAAATCCTGGCCTCCCCCTCACCCTGGCCAG[G>A]GCCTCTGAGTGGCCGCCAGGATAGGATGTAGCTGGATGCCCTGGACACTGGAGTCCAGGC-3'
Protein context (NP_000085.1, residues 985-1005): YILSWRPLRG[Pro995Ser]GQEVPGSPQT

ClinVar aggregate classification (germline): Uncertain significance (1 of 4 stars; one submission).

Allele frequency attached by ClinVar (database versions not stated): gnomAD exomes below 0.00001.
gnomAD v4.1: 1 of 1,613,236 alleles (0.000062%); highest among the groups gnomAD compares: Non-Finnish European, 0.000085%; no homozygotes.

Submission:

Labcorp Genetics (formerly Invitae), Labcorp
Classification: Uncertain significance. Last evaluated: 2025-01-28. Review status: criteria provided, single submitter. Criteria: Invitae Variant Classification Sherloc (09022015). Collection method: clinical testing. Allele origin: germline.
Comment: This sequence change replaces proline, which is neutral and non-polar, with serine, which is neutral and polar, at codon 995 of the COL7A1 protein (p.Pro995Ser). This variant is not present in population databases (gnomAD no frequency). This variant has not been reported in the literature in individuals affected with COL7A1-related conditions. ClinVar contains an entry for this variant (Variation ID: 1977838). Invitae Evidence Modeling of protein sequence and biophysical properties (such as structural, functional, and spatial information, amino acid conservation, physicochemical variation, residue mobility, and thermodynamic stability) indicates that this missense variant is not expected to disrupt COL7A1 protein function with a negative predictive value of 95%. In summary, the available evidence is currently insufficient to determine the role of this variant in disease. Therefore, it has been classified as a Variant of Uncertain Significance.